The following is an entry in ClinVar:

ClinVar aggregate classification (germline): Benign/Likely benign. Review status: criteria provided, multiple submitters, no conflicts (2 of 4 stars). 5 submissions from 5 submitters: Benign (1); Likely benign (4). Last evaluated 2025-08-19.

Conditions:
Melanoma-pancreatic cancer syndrome. Identifiers: Orphanet 404560, MedGen C1838547, MONDO:0011713, OMIM 606719. Disease mechanism: loss of function.
Hereditary cancer-predisposing syndrome. Also called: Hereditary neoplastic syndrome; Neoplastic Syndromes, Hereditary; Hereditary Cancer Syndrome; Tumor predisposition. Identifiers: Orphanet 140162, MedGen C0027672, MeSH D009386, MONDO:0015356.
Familial melanoma. Also called: Hereditary melanoma; Hereditary cutaneous melanoma. Identifiers: Orphanet 618, MedGen C1512419, MONDO:0018961.

Submissions (5):

Myriad Genetics, Inc.
Classification: Benign for Melanoma-pancreatic cancer syndrome. Last evaluated: 2025-08-19. Review status: criteria provided, single submitter. Criteria: Myriad Autosomal Dominant, Autosomal Recessive and X-Linked Classification Criteria (2023). Collection method: clinical testing. Allele origin: unknown.
Comment: This variant is considered benign. This variant is a silent/synonymous amino acid change and it is not expected to impact splicing.

Labcorp Genetics (formerly Invitae), Labcorp
Classification: Likely benign for Familial melanoma. Last evaluated: 2024-05-23. Review status: criteria provided, single submitter. Criteria: Invitae Variant Classification Sherloc (09022015). Collection method: clinical testing. Allele origin: germline.

Ambry Genetics
Classification: Likely benign for Hereditary cancer-predisposing syndrome. Last evaluated: 2022-02-03. Review status: criteria provided, single submitter. Criteria: Ambry Variant Classification Scheme 2023. Collection method: clinical testing. Allele origin: germline.

GeneDx
Classification: Likely benign. Last evaluated: 2017-12-12. Review status: criteria provided, single submitter. Criteria: GeneDx Variant Classification (06012015). Collection method: clinical testing. Allele origin: germline. Affected: yes.
Comment: This variant is considered likely benign or benign based on one or more of the following criteria: it is a conservative change, it occurs at a poorly conserved position in the protein, it is predicted to be benign by multiple in silico algorithms, and/or has population frequency not consistent with disease.

Color Diagnostics, LLC DBA Color Health
Classification: Likely benign for Hereditary cancer-predisposing syndrome. Last evaluated: 2016-03-21. Review status: criteria provided, single submitter. Criteria: ACMG Guidelines, 2015. Collection method: clinical testing. Allele origin: germline.

NM_000077.5(CDKN2A):c.462C>A (p.Ile154=)

Gene: CDKN2A (cyclin dependent kinase inhibitor 2A; minus strand). Cytogenetic location: 9p21.3.
Variant type: single nucleotide variant.
Coding change: c.462C>A on transcript NM_000077.5; coding-DNA position 462, C replaced by A.
Protein change: p.Ile154=; no amino-acid change (isoleucine 154 retained).
Molecular consequence: synonymous variant (on NM_000077.6). On other transcripts: 3 prime UTR variant (3).
Genome position (GRCh38, 1-based): chr9:21,968,238, G>T on the plus strand (C>A on the coding strand, the complement: CDKN2A is on the minus strand). VCF-style: chr9-21968238-G-T. GRCh37 (hg19) VCF-style: chr9-21968237-G-T.
Other names: c.462C>A, p.Ile154= (NM_000077.6); c.*155C>A (NM_001195132.2); c.309C>A, p.Ile103= (NM_001363763.2); c.*106C>A (NM_058195.4); c.*385C>A (NM_058197.5).
Identifiers: ClinVar variation 463507 (VCV000463507.16), dbSNP rs1554653281, ClinGen allele CA373085073.